The following is an entry in ClinVar:

ClinVar aggregate classification (germline): Uncertain significance. Review status: criteria provided, single submitter (1 of 4 stars). 2 submissions from 2 submitters: Uncertain significance (1). 1 of the submissions does not count toward it. Last evaluated 2025-08-21.

Conditions:
Neuronal ceroid lipofuscinosis. Also called: Neuronal Ceroid Lipofuscinoses. Identifiers: Orphanet 216, Orphanet 79263, MedGen C0027877, MONDO:0016295. Disease mechanism: loss of function.

Allele frequency attached by ClinVar (database versions not stated): TOPMed below 0.00001; ExAC 0.00001.
gnomAD v4.1: 13 of 1,614,142 alleles (0.00081%); highest among the groups gnomAD compares: East Asian, 0.0089%; no homozygotes.

Submissions (2):

Labcorp Genetics (formerly Invitae), Labcorp
Classification: Uncertain significance for Neuronal ceroid lipofuscinosis. Last evaluated: 2025-08-21. Review status: criteria provided, single submitter. Criteria: Invitae Variant Classification Sherloc (09022015). Collection method: clinical testing. Allele origin: germline.
Comment: This sequence change replaces arginine, which is basic and polar, with cysteine, which is neutral and slightly polar, at codon 205 of the CTSD protein (p.Arg205Cys). This variant is present in population databases (rs769825646, gnomAD 0.003%). This variant has not been reported in the literature in individuals affected with CTSD-related conditions. ClinVar contains an entry for this variant (Variation ID: 559016). Invitae Evidence Modeling of protein sequence and biophysical properties (such as structural, functional, and spatial information, amino acid conservation, physicochemical variation, residue mobility, and thermodynamic stability) indicates that this missense variant is not expected to disrupt CTSD protein function with a negative predictive value of 80%. In summary, the available evidence is currently insufficient to determine the role of this variant in disease. Therefore, it has been classified as a Variant of Uncertain Significance.

Mayo Clinic Laboratories, Mayo Clinic
Classification: Uncertain significance. Last evaluated: 2017-09-06. Review status: no assertion criteria provided. Collection method: clinical testing. Allele origin: unknown. Not counted in ClinVar's aggregate classification.

NM_001909.5(CTSD):c.613C>T (p.Arg205Cys)

Gene: CTSD (cathepsin D; minus strand). Cytogenetic location: 11p15.5.
Variant type: single nucleotide variant.
Coding change: c.613C>T on transcript NM_001909.5 (MANE Select); coding-DNA position 613, C replaced by T.
Protein change: p.Arg205Cys; replaces arginine 205 with cysteine.
Molecular consequence: missense variant.
Genome position (GRCh38, 1-based): chr11:1,757,415, G>A on the plus strand (C>T on the coding strand, the complement: CTSD is on the minus strand). VCF-style: chr11-1757415-G-A. GRCh37 (hg19) VCF-style: chr11-1778645-G-A.
Other names: short protein forms R205C.
Identifiers: ClinVar variation 559016 (VCV000559016.11), dbSNP rs769825646, ClinGen allele CA5814130.
Genomic context (GRCh38, chr11:1,757,415, plus strand): 5'-CCACCAGCTTCTGCTGCATCAGGTTGTCGAAGACGGGCAGCACGTTGTTGACGGAGATGC[G>A]GGGGTAGGCCATGCCCAGGATGCCATCGAACTTGGCTGCGATGAAGGTGATGCCTGGCTG-3'
Protein context (NP_001900.1, residues 195-215): FDGILGMAYP[Arg205Cys]ISVNNVLPVF